The following is an entry in ClinVar:

ClinVar aggregate classification (germline): Conflicting classifications of pathogenicity. Review status: criteria provided, conflicting classifications (1 of 4 stars). 6 submissions from 6 submitters: Uncertain significance (5); Likely benign (1). Last evaluated 2026-01-13.

Conditions:
Cardiovascular phenotype. Identifiers: MedGen CN230736.
ALPK3-associated cardiomyopathy.

Allele frequency attached by ClinVar (database versions not stated): gnomAD 0.00003 and 0.00004; TOPMed 0.00003; gnomAD exomes 0.00007 and 0.00012; ExAC 0.00013; 1000 Genomes Project 30x 0.00016; 1000 Genomes Project 0.00020.
gnomAD v4.1: 109 of 1,613,234 alleles (0.0068%); highest among the groups gnomAD compares: South Asian, 0.067%; 1 homozygote.

Submissions (6):

Labcorp Genetics (formerly Invitae), Labcorp
Classification: Uncertain significance. Last evaluated: 2026-01-13. Review status: criteria provided, single submitter. Criteria: Invitae Variant Classification Sherloc (09022015). Collection method: clinical testing. Allele origin: germline.
Comment: This sequence change replaces threonine, which is neutral and polar, with isoleucine, which is neutral and non-polar, at codon 441 of the ALPK3 protein (p.Thr441Ile). This variant is present in population databases (rs559342068, gnomAD 0.07%). This variant has not been reported in the literature in individuals affected with ALPK3-related conditions. ClinVar contains an entry for this variant (Variation ID: 429397). Invitae Evidence Modeling of protein sequence and biophysical properties (such as structural, functional, and spatial information, amino acid conservation, physicochemical variation, residue mobility, and thermodynamic stability) has been performed for this missense variant. However, the output from this modeling did not meet the statistical confidence thresholds required to predict the impact of this variant on ALPK3 protein function. In summary, the available evidence is currently insufficient to determine the role of this variant in disease. Therefore, it has been classified as a Variant of Uncertain Significance.

Women's Health and Genetics/Laboratory Corporation of America, LabCorp
Classification: Uncertain significance. Last evaluated: 2025-12-08. Review status: criteria provided, single submitter. Criteria: LabCorp Variant Classification Summary - May 2015. Collection method: clinical testing. Allele origin: germline.

Ambry Genetics
Classification: Likely benign for Cardiovascular phenotype. Last evaluated: 2025-09-04. Review status: criteria provided, single submitter. Criteria: Ambry Variant Classification Scheme 2023. Collection method: clinical testing. Allele origin: germline.

Blueprint Genetics
Classification: Uncertain significance. Last evaluated: 2024-07-31. Review status: criteria provided, single submitter. Criteria: ACMG Guidelines, 2015. Collection method: clinical testing. Allele origin: germline.

GeneDx
Classification: Uncertain significance. Last evaluated: 2023-11-21. Review status: criteria provided, single submitter. Criteria: GeneDx Variant Classification Process June 2021. Collection method: clinical testing. Allele origin: germline. Affected: yes.
Comment: Has not been previously published as pathogenic or benign to our knowledge; In silico analysis supports that this missense variant does not alter protein structure/function

Clinical Genomics Laboratory, Stanford Medicine
Classification: Uncertain significance for ALPK3-associated cardiomyopathy. Last evaluated: 2022-12-20. Review status: criteria provided, single submitter. Criteria: ACMG Guidelines, 2015. Collection method: clinical testing. Allele origin: germline. Observed: 1 variant allele, 1 heterozygote.
Comment: The p.Thr239Ile variant in the ALPK3 gene has not been previously reported in association with disease. This variant has been identified in 21/30,558 South Asian chromosomes by the Genome Aggregation Database. This variant is present in ClinVar (Accession: VCV000429397.14). Computational tools predict that this variant does not impact protein function; however, the accuracy of in silico algorithms is limited. These data were assessed using the ACMG/AMP variant interpretation guidelines. In summary, the significance of the p.Thr239Ile variant is uncertain. Additional information is needed to resolve the significance of this variant. [ACMG evidence codes used: PM2_supporting; BP4]

NM_020778.5(ALPK3):c.716C>T (p.Thr239Ile)

Gene: ALPK3 (alpha kinase 3; plus strand). Cytogenetic location: 15q25.3.
Variant type: single nucleotide variant.
Coding change: c.716C>T on transcript NM_020778.5 (MANE Select); coding-DNA position 716, C replaced by T.
Protein change: p.Thr239Ile; replaces threonine 239 with isoleucine.
Molecular consequence: missense variant.
Genome position (GRCh38, 1-based): chr15:84,839,995, C>T. VCF-style: chr15-84839995-C-T. GRCh37 (hg19) VCF-style: chr15-85383226-C-T.
Other names: short protein forms T441I, T239I.
Identifiers: ClinVar variation 429397 (VCV000429397.16), dbSNP rs559342068, ClinGen allele CA7709059.
Genomic context (GRCh38, chr15:84,839,995, plus strand): 5'-ACCGCTTCCAGCGAAAGCGGCGATTGAGCGGGGCTCAAGCGCCGGGCCCCTCGGTCCCTA[C>T]CAGGGAGCCTGAGGGTGGGACCCTGGCGGCTTGGCAGGAGGGAGAGACTGAGACTGCTCA-3'
Protein context (NP_065829.4, residues 229-249): GAQAPGPSVP[Thr239Ile]REPEGGTLAA